The following is an entry in ClinVar:

ClinVar aggregate classification (germline): Uncertain significance (1 of 4 stars; one submission).

Conditions:
Pulmonary fibrosis and/or bone marrow failure, Telomere-related, 3. Also called: PULMONARY FIBROSIS AND/OR BONE MARROW FAILURE SYNDROME, TELOMERE-RELATED, 3. Identifiers: Orphanet 2032, MedGen C4225346, MONDO:0014613, OMIM 616373.
Dyskeratosis congenita, autosomal recessive 5 (DKCB5). Identifiers: MedGen C3554656, MONDO:0014076, OMIM 615190.

Submission:

Labcorp Genetics (formerly Invitae), Labcorp
Classification: Uncertain significance for Dyskeratosis congenita, autosomal recessive 5; Pulmonary fibrosis and/or bone marrow failure, Telomere-related, 3. Last evaluated: 2023-03-26. Review status: criteria provided, single submitter. Criteria: Invitae Variant Classification Sherloc (09022015). Collection method: clinical testing. Allele origin: germline.
Comment: This variant is not present in population databases (gnomAD no frequency). In summary, the available evidence is currently insufficient to determine the role of this variant in disease. Therefore, it has been classified as a Variant of Uncertain Significance. An algorithm developed to predict the effect of missense changes on protein structure and function (PolyPhen-2) suggests that this variant is likely to be disruptive. This variant has not been reported in the literature in individuals affected with RTEL1-related conditions. This sequence change replaces phenylalanine, which is neutral and non-polar, with leucine, which is neutral and non-polar, at codon 174 of the RTEL1 protein (p.Phe174Leu).

NM_001283009.2(RTEL1):c.522C>A (p.Phe174Leu)

Genes: RTEL1 (regulator of telomere elongation helicase 1; plus strand), RTEL1-TNFRSF6B (RTEL1-TNFRSF6B readthrough (NMD candidate); plus strand). Cytogenetic location: 20q13.33.
Variant type: single nucleotide variant.
Coding change: c.522C>A on transcript NM_001283009.2 (MANE Select); coding-DNA position 522, C replaced by A.
Protein change: p.Phe174Leu; replaces phenylalanine 174 with leucine.
Molecular consequence: missense variant. On other transcripts: non-coding transcript variant (1), 5 prime UTR variant (1).
Genome position (GRCh38, 1-based): chr20:63,662,873, C>A. VCF-style: chr20-63662873-C-A. GRCh37 (hg19) VCF-style: chr20-62294226-C-A.
Other names: c.-148C>A (NM_001283010.1); c.522C>A, p.Phe174Leu (NM_016434.4); c.594C>A, p.Phe198Leu (NM_032957.5); short protein forms F174L, F198L.
Identifiers: ClinVar variation 2934692 (VCV002934692.1), dbSNP rs1372480426, ClinGen allele CA409670026.